The following is an entry in ClinVar:

NM_001754.5(RUNX1):c.58+9A>C

Gene: RUNX1 (RUNX family transcription factor 1; minus strand). Cytogenetic location: 21q22.12.
Variant type: single nucleotide variant.
Coding change: c.58+9A>C on transcript NM_001754.5 (MANE Select); 9 bases into the intron after coding-DNA position 58, A replaced by C.
Molecular consequence: intron variant.
Genome position (GRCh38, 1-based): chr21:35,048,833, T>G on the plus strand (A>C on the coding strand, the complement: RUNX1 is on the minus strand). VCF-style: chr21-35048833-T-G. GRCh37 (hg19) VCF-style: chr21-36421130-T-G.
Identifiers: ClinVar variation 1155844 (VCV001155844.10), dbSNP rs553468449, ClinGen allele CA10014722.

ClinVar aggregate classification (germline): Likely benign. Review status: reviewed by expert panel (3 of 4 stars). 2 submissions from 2 submitters: Likely benign (1). 1 of the submissions does not count toward it. Last evaluated 2025-01-15.

Conditions:
Hereditary thrombocytopenia and hematologic cancer predisposition syndrome. Identifiers: Orphanet 71290, MedGen CN281654, MONDO:0011071.
Hereditary thrombocytopenia and hematological cancer predisposition syndrome associated with RUNX1. Also called: Familial Platelet Disorder with Propensity to Acute Myelogenous Leukemia; Familial thrombocytopenia with propensity to acute myelogenous leukemia; PLATELET DISORDER, ASPIRIN-LIKE; RUNX1 Familial Platelet Disorder with Associated Myeloid Malignancies. Identifiers: Orphanet 71290, MedGen C1832388, MeSH C563324, MONDO:0100083, OMIM 601399.

Allele frequency attached by ClinVar (database versions not stated): gnomAD 0.00001; 1000 Genomes Project 30x 0.00016; 1000 Genomes Project 0.00020.
gnomAD v4.1: 3 of 1,610,364 alleles (0.00019%); highest among the groups gnomAD compares: South Asian, 0.0022%; no homozygotes.

Submissions (2):

ClinGen Myeloid Malignancy Variant Curation Expert Panel
Classification: Likely benign for Hereditary thrombocytopenia and hematologic cancer predisposition syndrome. Last evaluated: 2025-01-15. Review status: reviewed by expert panel. Criteria: ClinGen MyeloMalig ACMG Specifications v2. Collection method: curation. Allele origin: germline. Inheritance: Autosomal dominant inheritance.
Comment: NM_001754.5(RUNX1):c.58+9A>C is an intronic variant not predicted to affect splicing (BP4). This variant has a SpliceAI score ≤ 0.20 (0.01) and evolutionary conservation prediction algorithms predict the site as not being conserved (PhyloP score ≤ 2.0 (-1.428)) (BP7). In summary, the clinical significance of this variant is Likely benign. ACMG/AMP criteria applied, as specified by the Myeloid Malignancy Variant Curation Expert Panel for RUNX1: BP4, BP7

Labcorp Genetics (formerly Invitae), Labcorp
Classification: Likely benign for Hereditary thrombocytopenia and hematological cancer predisposition syndrome associated with RUNX1. Last evaluated: 2024-03-06. Review status: criteria provided, single submitter. Criteria: Invitae Variant Classification Sherloc (09022015). Collection method: clinical testing. Allele origin: germline. Not counted in ClinVar's aggregate classification.